The following is an entry in ClinVar:

NM_003803.4(MYOM1):c.4120G>A (p.Val1374Ile)

Gene: MYOM1 (myomesin 1; minus strand). Cytogenetic location: 18p11.31.
Variant type: single nucleotide variant.
Coding change: c.4120G>A on transcript NM_003803.4 (MANE Select); coding-DNA position 4120, G replaced by A.
Protein change: p.Val1374Ile; replaces valine 1374 with isoleucine.
Molecular consequence: missense variant.
Genome position (GRCh38, 1-based): chr18:3,089,191, C>T on the plus strand (G>A on the coding strand, the complement: MYOM1 is on the minus strand). VCF-style: chr18-3089191-C-T. GRCh37 (hg19) VCF-style: chr18-3089189-C-T.
Other names: c.3832G>A, p.Val1278Ile (NM_019856.2); short protein forms V1278I, V1374I.
Identifiers: ClinVar variation 664662 (VCV000664662.14), dbSNP rs776814232, ClinGen allele CA8874053.
Genomic context (GRCh38, chr18:3,089,191, plus strand): 5'-TATTTCCCTTGAATCAAATATTAAAAATTTATCTACCTCTTACCTTGCATTTCAATAGTA[C>T]ATTACATTCACCAGTCACTTCCCAGCTCAAATACTCAACAAAGTGAGGACCTATAAAATT-3'
Protein context (NP_003794.3, residues 1364-1384): LSWEVTGECN[Val1374Ile]LLKCKVANIK

ClinVar aggregate classification (germline): Uncertain significance. Review status: criteria provided, multiple submitters, no conflicts (2 of 4 stars). 2 submissions from 2 submitters: Uncertain significance (2). Last evaluated 2025-06-11.

Conditions:
Hypertrophic cardiomyopathy. Also called: HYPERTROPHIC MYOCARDIOPATHY. Identifiers: Orphanet 217569, MedGen C0007194, MeSH D002312, MONDO:0005045, HP:0001639.

Allele frequency attached by ClinVar (database versions not stated): gnomAD 0.00003; gnomAD exomes 0.00004 and 0.00008; ExAC 0.00010; TOPMed 0.00001.
gnomAD v4.1: 31 of 1,610,924 alleles (0.0019%); highest among the groups gnomAD compares: Admixed American, 0.037%; no homozygotes.

Submissions (2):

Ambry Genetics
Classification: Uncertain significance. Last evaluated: 2025-06-11. Review status: criteria provided, single submitter. Criteria: Ambry Variant Classification Scheme 2023. Collection method: clinical testing. Allele origin: germline.

Labcorp Genetics (formerly Invitae), Labcorp
Classification: Uncertain significance for Hypertrophic cardiomyopathy. Last evaluated: 2025-03-05. Review status: criteria provided, single submitter. Criteria: Invitae Variant Classification Sherloc (09022015). Collection method: clinical testing. Allele origin: germline.
Comment: This sequence change replaces valine, which is neutral and non-polar, with isoleucine, which is neutral and non-polar, at codon 1374 of the MYOM1 protein (p.Val1374Ile). This variant is present in population databases (rs776814232, gnomAD 0.04%). This variant has not been reported in the literature in individuals affected with MYOM1-related conditions. ClinVar contains an entry for this variant (Variation ID: 664662). Invitae Evidence Modeling of protein sequence and biophysical properties (such as structural, functional, and spatial information, amino acid conservation, physicochemical variation, residue mobility, and thermodynamic stability) indicates that this missense variant is expected to disrupt MYOM1 protein function with a positive predictive value of 80%. In summary, the available evidence is currently insufficient to determine the role of this variant in disease. Therefore, it has been classified as a Variant of Uncertain Significance.